The following is an entry in ClinVar:

NM_002088.5(GRIK5):c.2515G>T (p.Val839Leu)

Gene: GRIK5 (glutamate ionotropic receptor kainate type subunit 5; minus strand). Cytogenetic location: 19q13.2.
Variant type: single nucleotide variant.
Coding change: c.2515G>T on transcript NM_002088.5 (MANE Select); coding-DNA position 2515, G replaced by T.
Protein change: p.Val839Leu; replaces valine 839 with leucine.
Molecular consequence: missense variant.
Genome position (GRCh38, 1-based): chr19:41,999,299, C>A on the plus strand (G>T on the coding strand, the complement: GRIK5 is on the minus strand). VCF-style: chr19-41999299-C-A. GRCh37 (hg19) VCF-style: chr19-42503451-C-A.
Other names: short protein forms V839L.
Identifiers: ClinVar variation 4267024 (VCV004267024.3).

ClinVar aggregate classification (germline): Uncertain significance. Review status: criteria provided, multiple submitters, no conflicts (2 of 4 stars). 2 submissions from 2 submitters: Uncertain significance (2). Last evaluated 2025-08-24.

gnomAD v4.1: 5 of 1,513,508 alleles (0.00033%); highest among the groups gnomAD compares: Admixed American, 0.01%; no homozygotes.

Submissions (2):

Dasa
Classification: Uncertain significance. Last evaluated: 2025-08-24. Review status: criteria provided, single submitter. Criteria: DASA Assertion Criteria. Collection method: clinical testing. Allele origin: germline.
Comment: NM_002088.5(GRIK5):c.2515G>T (p.Val839Leu) is a missense variant that results in the substitution of valine with leucine. This variant is rare in population databases. Computational prediction algorithms are consistent with a deleterious effect. The currently available literature and clinical evidence are not sufficient to establish a definitive association between this variant and the reported condition. Therefore, this variant is classified as a variant of uncertain significance.

Ambry Genetics
Classification: Uncertain significance. Last evaluated: 2025-08-21. Review status: criteria provided, single submitter. Criteria: Ambry Variant Classification Scheme 2023. Collection method: clinical testing. Allele origin: germline.